The following is an entry in ClinVar:

ClinVar aggregate classification (germline): Conflicting classifications of pathogenicity. Review status: criteria provided, conflicting classifications (1 of 4 stars). 2 submissions from 2 submitters: Pathogenic (1); Uncertain significance (1). Last evaluated 2026-07-09.

Conditions:
Hereditary cancer-predisposing syndrome. Also called: Hereditary Cancer Syndrome; Tumor predisposition; Hereditary neoplastic syndrome; Neoplastic Syndromes, Hereditary. Identifiers: Orphanet 140162, MedGen C0027672, MeSH D009386, MONDO:0015356.

Allele frequency attached by ClinVar (database versions not stated): TOPMed below 0.00001; gnomAD 0.00001.

Submissions (2):

Ambry Genetics
Classification: Uncertain significance for Hereditary cancer-predisposing syndrome. Last evaluated: 2026-07-09. Review status: criteria provided, single submitter. Criteria: Ambry Variant Classification Scheme 2023. Collection method: clinical testing. Allele origin: germline.
Comment: The p.R114* variant (also known as c.340C>T), located in coding exon 5 of the POLE gene, results from a C to T substitution at nucleotide position 340. This changes the amino acid from an arginine to a stop codon within coding exon 5. This alteration is expected to result in loss of function by premature protein truncation or nonsense-mediated mRNA decay. In silico splice site analysis predicts that this alteration may result in the creation or strengthening of a novel splice acceptor site. A resulting transcript is predicted to be in-frame and is not expected to trigger nonsense-mediated mRNA decay. Based on the available evidence, the clinical significance of this variant remains unclear.

Labcorp Genetics (formerly Invitae), Labcorp
Classification: Pathogenic. Last evaluated: 2025-09-22. Review status: criteria provided, single submitter. Criteria: Invitae Variant Classification Sherloc (09022015). Collection method: clinical testing. Allele origin: germline.
Comment: This sequence change creates a premature translational stop signal (p.Arg114*) in the POLE gene. It is expected to result in an absent or disrupted protein product. Loss-of-function variants in POLE are known to be pathogenic (PMID: 23230001, 25948378, 30503519). This variant is not present in population databases (gnomAD no frequency). This variant has not been reported in the literature in individuals affected with POLE-related conditions. ClinVar contains an entry for this variant (Variation ID: 540728). RNA analysis performed to evaluate the impact of this premature translational stop signal on mRNA splicing indicates it does not significantly alter splicing (internal data). For these reasons, this variant has been classified as Pathogenic.

Literature cited by the submitters: PubMed 23230001 (cited by Labcorp Genetics (formerly Invitae), Labcorp); PubMed 25948378 (cited by Labcorp Genetics (formerly Invitae), Labcorp); PubMed 30503519 (cited by Labcorp Genetics (formerly Invitae), Labcorp).

NM_006231.4(POLE):c.340C>T (p.Arg114Ter)

Gene: POLE (DNA polymerase epsilon, catalytic subunit; minus strand). Cytogenetic location: 12q24.33.
Variant type: single nucleotide variant.
Coding change: c.340C>T on transcript NM_006231.4 (MANE Select); coding-DNA position 340, C replaced by T.
Protein change: p.Arg114Ter; replaces arginine 114 with a stop codon.
Molecular consequence: nonsense.
Genome position (GRCh38, 1-based): chr12:132,680,037, G>A on the plus strand (C>T on the coding strand, the complement: POLE is on the minus strand). VCF-style: chr12-132680037-G-A. GRCh37 (hg19) VCF-style: chr12-133256623-G-A.
Other names: c.340C>T (NM_006231.2); short protein forms R114*.
Identifiers: ClinVar variation 540728 (VCV000540728.11), dbSNP rs1555230189, ClinGen allele CA387368351.